The following is an entry in ClinVar:

ClinVar aggregate classification (germline): Likely pathogenic (1 of 4 stars; one submission).

Conditions:
Glycogen storage disease IXa1. Also called: GLYCOGEN STORAGE DISEASE VIII; GSD VIII; LIVER GLYCOGENOSIS, X-LINKED, TYPE I; Glycogen storage disease 8. Identifiers: Orphanet 264580, MedGen C3694531, MONDO:0010598, OMIM 306000.

Submission:

Labcorp Genetics (formerly Invitae), Labcorp
Classification: Likely pathogenic for Glycogen storage disease IXa1. Last evaluated: 2023-03-23. Review status: criteria provided, single submitter. Criteria: Invitae Variant Classification Sherloc (09022015). Collection method: clinical testing. Allele origin: germline.
Comment: Advanced modeling of protein sequence and biophysical properties (such as structural, functional, and spatial information, amino acid conservation, physicochemical variation, residue mobility, and thermodynamic stability) performed at Invitae indicates that this missense variant is expected to disrupt PHKA2 protein function. In summary, the currently available evidence indicates that the variant is pathogenic, but additional data are needed to prove that conclusively. Therefore, this variant has been classified as Likely Pathogenic. ClinVar contains an entry for this variant (Variation ID: 1410249). This sequence change replaces glycine, which is neutral and non-polar, with arginine, which is basic and polar, at codon 187 of the PHKA2 protein (p.Gly187Arg). This variant is not present in population databases (gnomAD no frequency). This missense change has been observed in individuals with Glycogen storage disease (PMID: 21646031; Invitae). It has also been observed to segregate with disease in related individuals.

Literature cited by the submitters: PubMed 21646031.

NM_000292.3(PHKA2):c.559G>A (p.Gly187Arg)

Gene: PHKA2 (phosphorylase kinase regulatory subunit alpha 2; minus strand). Cytogenetic location: Xp22.13.
Variant type: single nucleotide variant.
Coding change: c.559G>A on transcript NM_000292.3 (MANE Select); coding-DNA position 559, G replaced by A.
Protein change: p.Gly187Arg; replaces glycine 187 with arginine.
Molecular consequence: missense variant.
Genome position (GRCh38, 1-based): chrX:18,945,137, C>T on the plus strand (G>A on the coding strand, the complement: PHKA2 is on the minus strand). VCF-style: chrX-18945137-C-T. GRCh37 (hg19) VCF-style: chrX-18963255-C-T.
Other names: short protein forms G187R.
Identifiers: ClinVar variation 1410249 (VCV001410249.6), dbSNP rs2147972085, ClinGen allele CA412372714.